The following is an entry in ClinVar:

ClinVar aggregate classification (germline): Pathogenic/Likely pathogenic. Review status: criteria provided, multiple submitters, no conflicts (2 of 4 stars). 4 submissions from 4 submitters: Pathogenic (3); Likely pathogenic (1). Last evaluated 2026-01-24.

Conditions:
Bartter disease type 4A. Also called: BARTTER SYNDROME, NEONATAL, WITH SENSORINEURAL DEAFNESS; BARTTER SYNDROME, TYPE 4A, NEONATAL, WITH SENSORINEURAL DEAFNESS. Identifiers: Orphanet 112, MedGen C1865270, MONDO:0011242, OMIM 602522.
Bartter syndrome. Identifiers: Orphanet 112, MedGen C0004775, MONDO:0015231.

gnomAD v4.1: 6 of 1,614,138 alleles (0.00037%); highest among the groups gnomAD compares: Non-Finnish European, 0.00051%; no homozygotes.

Submissions (4):

Natera, Inc.
Classification: Likely pathogenic for Bartter syndrome. Last evaluated: 2026-01-24. Review status: criteria provided, single submitter. Criteria: Natera Variant Classification Schema (03/2026). Collection method: clinical testing. Allele origin: germline.
Comment: The c.262G>T variant in BSND is a nonsense variant predicted to introduce a stop codon at amino acid 88. This variant is expected to result in nonsense mediated decay, truncation, or a dysfunctional protein product. This variant is rare in the general population with a frequency below the threshold expected for the associated phenotype(s). Given the available evidence, this variant is classified as Likely Pathogenic.

Labcorp Genetics (formerly Invitae), Labcorp
Classification: Pathogenic. Last evaluated: 2023-10-17. Review status: criteria provided, single submitter. Criteria: Invitae Variant Classification Sherloc (09022015). Collection method: clinical testing. Allele origin: germline.
Comment: This sequence change creates a premature translational stop signal (p.Glu88*) in the BSND gene. It is expected to result in an absent or disrupted protein product. Loss-of-function variants in BSND are known to be pathogenic (PMID: 11687798). This variant is present in population databases (rs771232166, gnomAD 0.004%). This premature translational stop signal has been observed in individual(s) with Bartter syndrome type 4a (PMID: 16773427). ClinVar contains an entry for this variant (Variation ID: 620144). For these reasons, this variant has been classified as Pathogenic.

GeneDx
Classification: Pathogenic. Last evaluated: 2023-07-03. Review status: criteria provided, single submitter. Criteria: GeneDx Variant Classification Process June 2021. Collection method: clinical testing. Allele origin: germline. Affected: yes.
Comment: Nonsense variant predicted to result in protein truncation or nonsense mediated decay in a gene for which loss of function is a known mechanism of disease; proteolysis studies suggest reduced stability of the resulting truncated barttin protein (Janssen et al., 2009); Not observed at significant frequency in large population cohorts (gnomAD); This variant is associated with the following publications: (PMID: 25525159, 23110775, 16773427, 18776122, 26013830)

Fulgent Genetics
Classification: Pathogenic for Bartter disease type 4A. Last evaluated: 2022-03-29. Review status: criteria provided, single submitter. Criteria: ACMG Guidelines, 2015. Collection method: clinical testing. Allele origin: unknown.

Literature cited by the submitters: PubMed 11687798 (cited by Labcorp Genetics (formerly Invitae), Labcorp); PubMed 16773427 (cited by Labcorp Genetics (formerly Invitae), Labcorp).

NM_057176.3(BSND):c.262G>T (p.Glu88Ter)

Gene: BSND (barttin CLCNK type accessory subunit beta; plus strand). Cytogenetic location: 1p32.3.
Variant type: single nucleotide variant.
Coding change: c.262G>T on transcript NM_057176.3 (MANE Select); coding-DNA position 262, G replaced by T.
Protein change: p.Glu88Ter; replaces glutamic acid 88 with a stop codon.
Molecular consequence: nonsense.
Genome position (GRCh38, 1-based): chr1:55,005,106, G>T. VCF-style: chr1-55005106-G-T. GRCh37 (hg19) VCF-style: chr1-55470779-G-T.
Other names: short protein forms E88*.
Identifiers: ClinVar variation 620144 (VCV000620144.9), dbSNP rs771232166, ClinGen allele CA871268.